The following is an entry in ClinVar:

NM_007194.4(CHEK2):c.548del (p.Pro182_Leu183insTer)

Gene: CHEK2 (checkpoint kinase 2; minus strand). Cytogenetic location: 22q12.1.
Variant type: Deletion.
Coding change: c.548del on transcript NM_007194.4 (MANE Select); coding-DNA position 548, one base deleted (T; older notation c.548delT).
Protein change: p.Pro182_Leu183insTer.
Molecular consequence: nonsense. On other transcripts: 5 prime UTR variant (2), intron variant (1).
Genome position (GRCh38, 1-based): chr22:28,725,021, A deleted on the plus strand (T on the coding strand, the reverse complement: CHEK2 is on the minus strand); the first of 3 consecutive A bases (chr22:28,725,021-28,725,023); deleting any one gives the same sequence. VCF-style (leftmost placement, unchanged base first): chr22-28725020-CA-C. GRCh37 (hg19) VCF-style: chr22-29121008-CA-C.
Other names: c.677del, p.Pro225_Leu226insTer (NM_001005735.3, NM_001438294.1); c.-230del (NM_001257387.3); c.-116del (NM_001437942.1); c.641del, p.Pro213_Leu214insTer (NM_001438293.1, NM_001438295.1); c.548del, p.Pro182_Leu183insTer (NM_145862.3); c.445-98del (NM_001349956.3).
Identifiers: ClinVar variation 1070996 (VCV001070996.9), dbSNP rs2146058204, ClinGen allele CA2499226094.

ClinVar aggregate classification (germline): Pathogenic. Review status: criteria provided, multiple submitters, no conflicts (2 of 4 stars). 2 submissions from 2 submitters: Pathogenic (2). Last evaluated 2024-03-22.

Conditions:
Hereditary cancer-predisposing syndrome. Also called: Tumor predisposition; Hereditary neoplastic syndrome; Neoplastic Syndromes, Hereditary; Hereditary Cancer Syndrome. Identifiers: Orphanet 140162, MedGen C0027672, MeSH D009386, MONDO:0015356.
Familial cancer of breast. Also called: Hereditary breast cancer; hereditary breast carcinoma; BREAST CANCER, FAMILIAL. Identifiers: Orphanet 227535, MedGen C0346153, MONDO:0016419, OMIM 114480. Disease mechanism: loss of function.

Submissions (2):

Ambry Genetics
Classification: Pathogenic for Hereditary cancer-predisposing syndrome. Last evaluated: 2024-03-22. Review status: criteria provided, single submitter. Criteria: Ambry Variant Classification Scheme 2023. Collection method: clinical testing. Allele origin: germline.
Comment: The c.548delT pathogenic mutation, located in coding exon 3 of the CHEK2 gene, results from a deletion of one nucleotide at nucleotide position 548, causing a translational frameshift with a predicted alternate stop codon (p.L183*). This alteration is expected to result in loss of function by premature protein truncation or nonsense-mediated mRNA decay. As such, this alteration is interpreted as a disease-causing mutation.

Labcorp Genetics (formerly Invitae), Labcorp
Classification: Pathogenic for Familial cancer of breast. Last evaluated: 2020-10-05. Review status: criteria provided, single submitter. Criteria: Invitae Variant Classification Sherloc (09022015). Collection method: clinical testing. Allele origin: germline.
Comment: For these reasons, this variant has been classified as Pathogenic. Loss-of-function variants in CHEK2 are known to be pathogenic (PMID: 21876083, 24713400). This variant has not been reported in the literature in individuals with CHEK2-related conditions. This variant is not present in population databases (ExAC no frequency). This sequence change creates a premature translational stop signal (p.Leu183*) in the CHEK2 gene. It is expected to result in an absent or disrupted protein product.

Literature cited by the submitters: PubMed 21876083 (cited by Labcorp Genetics (formerly Invitae), Labcorp); PubMed 24713400 (cited by Labcorp Genetics (formerly Invitae), Labcorp).